The following is an entry in ClinVar:

NM_018255.4(ELP2):c.1346G>A (p.Arg449Gln)

Gene: ELP2 (elongator acetyltransferase complex subunit 2; plus strand). Cytogenetic location: 18q12.2.
Variant type: single nucleotide variant.
Coding change: c.1346G>A on transcript NM_018255.4 (MANE Select); coding-DNA position 1346, G replaced by A.
Protein change: p.Arg449Gln; replaces arginine 449 with glutamine.
Molecular consequence: missense variant. On other transcripts: non-coding transcript variant (4).
Genome position (GRCh38, 1-based): chr18:36,156,536, G>A. VCF-style: chr18-36156536-G-A. GRCh37 (hg19) VCF-style: chr18-33736499-G-A.
Other names: c.1541G>A, p.Arg514Gln (NM_001242875.3); c.1331G>A, p.Arg444Gln (NM_001242876.3); c.1268G>A, p.Arg423Gln (NM_001242877.3); c.1136G>A, p.Arg379Gln (NM_001242878.3, NM_001242879.3); c.1214G>A, p.Arg405Gln (NM_001324465.2); c.1463G>A, p.Arg488Gln (NM_001324466.2); c.1196G>A, p.Arg399Gln (NM_001324467.2); c.899G>A, p.Arg300Gln (NM_001324468.2); short protein forms R300Q, R379Q, R399Q, R405Q, R423Q, R444Q, R449Q, R488Q.
Identifiers: ClinVar variation 4075635 (VCV004075635.1).

ClinVar aggregate classification (germline): Uncertain significance (1 of 4 stars; one submission).

gnomAD v4.1: 28 of 1,613,948 alleles (0.0017%); highest among the groups gnomAD compares: African/African-American, 0.012%; no homozygotes.

Submission:

GeneDx
Classification: Uncertain significance. Last evaluated: 2025-02-17. Review status: criteria provided, single submitter. Criteria: GeneDx Variant Classification Process June 2021. Collection method: clinical testing. Allele origin: germline. Affected: yes.
Comment: In silico analysis supports that this missense variant has a deleterious effect on protein structure/function; Has not been previously published as pathogenic or benign to our knowledge